The following is an entry in ClinVar:

ClinVar aggregate classification (germline): Pathogenic (1 of 4 stars; one submission).

gnomAD v4.1: 5 of 1,551,630 alleles (0.00032%); highest among the groups gnomAD compares: South Asian, 0.0048%; no homozygotes.

Submission:

Labcorp Genetics (formerly Invitae), Labcorp
Classification: Pathogenic. Last evaluated: 2022-03-11. Review status: criteria provided, single submitter. Criteria: Invitae Variant Classification Sherloc (09022015). Collection method: clinical testing. Allele origin: germline.
Comment: This sequence change creates a premature translational stop signal (p.Ser2428*) in the EYS gene. It is expected to result in an absent or disrupted protein product. Loss-of-function variants in EYS are known to be pathogenic (PMID: 18836446, 20333770). This variant is not present in population databases (gnomAD no frequency). This premature translational stop signal has been observed in individual(s) with retinitis pigmentosa (PMID: 22302105). For these reasons, this variant has been classified as Pathogenic.

Literature cited by the submitters: PubMed 18836446; PubMed 20333770; PubMed 22302105.

NM_001142800.2(EYS):c.7283C>G (p.Ser2428Ter)

Gene: EYS (EGF-like photoreceptor maintenance factor; minus strand). Cytogenetic location: 6q12.
Variant type: single nucleotide variant.
Coding change: c.7283C>G on transcript NM_001142800.2 (MANE Select); coding-DNA position 7283, C replaced by G.
Protein change: p.Ser2428Ter; replaces serine 2428 with a stop codon.
Molecular consequence: nonsense.
Genome position (GRCh38, 1-based): chr6:63,806,318, G>C on the plus strand (C>G on the coding strand, the complement: EYS is on the minus strand). VCF-style: chr6-63806318-G-C. GRCh37 (hg19) VCF-style: chr6-64516211-G-C.
Other names: c.7283C>G, p.Ser2428Ter (NM_001292009.2); short protein forms S2428*.
Identifiers: ClinVar variation 1375738 (VCV001375738.6), dbSNP rs2149678975, ClinGen allele CA364387983.